The following is an entry in ClinVar:

ClinVar aggregate classification (germline): Likely pathogenic (1 of 4 stars; one submission).

Conditions:
Cardiovascular phenotype. Identifiers: MedGen CN230736.

Submission:

Ambry Genetics
Classification: Likely pathogenic for Cardiovascular phenotype. Last evaluated: 2019-05-07. Review status: criteria provided, single submitter. Criteria: Ambry Variant Classification Scheme 2023. Collection method: clinical testing. Allele origin: germline.
Comment: The c.38509_38517delACACTGCTAinsT variant, located in coding exon 140 of the TTN gene, results from the deletion of 9 nucleotides and insertion of one nucleotide causing a translational frameshift with a predicted alternate stop codon (p.T12837*). This exon is located in the A-band region of the N2-B isoform of the titin protein and is constitutively expressed in TTN transcripts (percent spliced in or PSI 100%). This alteration is expected to result in loss of function by premature protein truncation or nonsense-mediated mRNA decay. While truncating variants in TTN are present in 1-3% of the general population, truncating variants in the A-band are the most common cause of dilated cardiomyopathy (DCM) (Herman DS et al. N. Engl. J. Med. 2012 Feb;366:619-28; Roberts AM et al. Sci Transl Med. 2015 Jan;7:270ra6). TTN truncating variants encoded in constitutive exons (PSI >90%) have been found to be significantly associated with DCM regardless of their position in titin (Schafer S et al. Nat. Genet. 2017 Jan;49:46-53). As such, this alteration is classified as likely pathogenic.

NM_001267550.2(TTN):c.65704_65712delinsT (p.Gly21901_Thr21902insTer)

Genes: TTN (titin; minus strand), TTN-AS1 (TTN antisense RNA 1; plus strand). Cytogenetic location: 2q31.2.
Variant type: Indel.
Coding change: c.65704_65712delinsT on transcript NM_001267550.2 (MANE Select); coding-DNA positions 65704 to 65712, ACACTGCTA replaced by T.
Protein change: p.Gly21901_Thr21902insTer.
Molecular consequence: nonsense. On other transcripts: non-coding transcript variant (1).
Genome position (GRCh38, 1-based): chr2:178,583,091-178,583,099, TAGCAGTGT replaced by A on the plus strand (ACACTGCTA replaced by T on the coding strand, the reverse complement: TTN is on the minus strand). VCF-style: chr2-178583091-TAGCAGTGT-A. GRCh37 (hg19) VCF-style: chr2-179447818-TAGCAGTGT-A.
Other names: c.60781_60789delinsT, p.Gly20260_Thr20261insTer (NM_001256850.1); c.38509_38517delinsT, p.Gly12836_Thr12837insTer (NM_003319.4); c.58000_58008delinsT, p.Gly19333_Thr19334insTer (NM_133378.4); c.38884_38892delinsT, p.Gly12961_Thr12962insTer (NM_133432.3); c.39085_39093delinsT, p.Gly13028_Thr13029insTer (NM_133437.4); c.38509_38517delACACTGCTAinsT (NM_003319.4).
Identifiers: ClinVar variation 1735520 (VCV001735520.2), dbSNP rs2469065049, ClinGen allele CA2580064779.